The following is an entry in ClinVar:

NM_001267550.2(TTN):c.104539T>C (p.Tyr34847His)

Genes: TTN-AS1 (TTN antisense RNA 1; plus strand), TTN (titin; minus strand). Cytogenetic location: 2q31.2.
Variant type: single nucleotide variant.
Coding change: c.104539T>C on transcript NM_001267550.2 (MANE Select); coding-DNA position 104539, T replaced by C.
Protein change: p.Tyr34847His; replaces tyrosine 34847 with histidine.
Molecular consequence: missense variant.
Genome position (GRCh38, 1-based): chr2:178,532,076, A>G on the plus strand (T>C on the coding strand, the complement: TTN is on the minus strand). VCF-style: chr2-178532076-A-G. GRCh37 (hg19) VCF-style: chr2-179396803-A-G.
Other names: p.Y33206H:TAT>CAT; c.99616T>C, p.Tyr33206His (NM_001256850.1); c.77344T>C, p.Tyr25782His (NM_003319.4); c.96835T>C, p.Tyr32279His (NM_133378.4); c.77719T>C, p.Tyr25907His (NM_133432.3); c.77920T>C, p.Tyr25974His (NM_133437.4); short protein forms Y33206H, Y34847H, Y25782H, Y25907H, Y25974H, Y32279H.
Identifiers: ClinVar variation 203084 (VCV000203084.5), dbSNP rs794729565, ClinGen allele CA311190.

ClinVar aggregate classification (germline): Uncertain significance. Review status: criteria provided, multiple submitters, no conflicts (2 of 4 stars). 3 submissions from 3 submitters: Uncertain significance (3). Last evaluated 2025-02-03.

Conditions:
Cardiovascular phenotype. Identifiers: MedGen CN230736.

Allele frequency attached by ClinVar (database versions not stated): TOPMed 0.00002; gnomAD 0.00002; gnomAD exomes below 0.00001 and 0.00001.
gnomAD v4.1: 14 of 1,613,754 alleles (0.00087%); highest among the groups gnomAD compares: Non-Finnish European, 0.0012%; no homozygotes.

Submissions (3):

Revvity Omics, Revvity
Classification: Uncertain significance. Last evaluated: 2025-02-03. Review status: criteria provided, single submitter. Criteria: ACMG Guidelines, 2015. Collection method: clinical testing. Allele origin: germline.

Ambry Genetics
Classification: Uncertain significance for Cardiovascular phenotype. Last evaluated: 2019-04-02. Review status: criteria provided, single submitter. Criteria: Ambry Variant Classification Scheme 2023. Collection method: clinical testing. Allele origin: germline.
Comment: The p.Y25782H variant (also known as c.77344T>C), located in coding exon 185 of the TTN gene, results from a T to C substitution at nucleotide position 77344. The tyrosine at codon 25782 is replaced by histidine, an amino acid with similar properties. This amino acid position is highly conserved in available vertebrate species. In addition, this alteration is predicted to be tolerated by in silico analysis. Since supporting evidence is limited at this time, the clinical significance of this alteration remains unclear.

GeneDx
Classification: Uncertain significance. Last evaluated: 2013-12-16. Review status: criteria provided, single submitter. Criteria: GeneDx Variant Classification (06012015). Collection method: clinical testing. Allele origin: germline. Affected: yes.
Comment: Missense variants in the TTN gene are considered 'unclassified' if they are not previously reported in the literature and do not have >1% frequency in the population to be considered a polymorphism. Research indicates that truncating mutations in the TTN gene are expected to account for approximately 25% of familial and 18% of sporadic idiopathic DCM; however, truncating variants in the TTN gene have been reported in approximately 3% of reported control alleles. There has been little investigation into non-truncating variants. (Herman D et al. Truncations of titin causing dilated cardiomyopathy. N Eng J Med 366:619-628, 2012) The variant is found in CARDIOMYOPATHY panel(s).